The following is an entry in ClinVar:

NM_001352027.3(PHF21A):c.334G>T (p.Ala112Ser)

Gene: PHF21A (PHD finger protein 21A; minus strand). Cytogenetic location: 11p11.2.
Variant type: single nucleotide variant.
Coding change: c.334G>T on transcript NM_001352027.3 (MANE Select); coding-DNA position 334, G replaced by T.
Protein change: p.Ala112Ser; replaces alanine 112 with serine.
Molecular consequence: missense variant. On other transcripts: non-coding transcript variant (2).
Genome position (GRCh38, 1-based): chr11:45,979,786, C>A on the plus strand (G>T on the coding strand, the complement: PHF21A is on the minus strand). VCF-style: chr11-45979786-C-A. GRCh37 (hg19) VCF-style: chr11-46001337-C-A.
Other names: c.334G>T, p.Ala112Ser (NM_001101802.3, NM_001352025.3, NM_001352026.3 and 6 more transcripts); short protein forms A112S.
Identifiers: ClinVar variation 2641740 (VCV002641740.24), dbSNP rs2498644339, ClinGen allele CA380214098.

ClinVar aggregate classification (germline): Uncertain significance (1 of 4 stars; one submission).

Submission:

CeGaT Center for Human Genetics Tuebingen
Classification: Uncertain significance. Last evaluated: 2023-02-01. Review status: criteria provided, single submitter. Criteria: CeGaT Center For Human Genetics Tuebingen Variant Classification Criteria Version 2. Collection method: clinical testing. Allele origin: germline. Affected: yes. Observed: 1 variant allele.
Comment: PHF21A: PM2